The following is an entry in ClinVar:

ClinVar aggregate classification (germline): Uncertain significance (1 of 4 stars; one submission).

Conditions:
EGFR-related lung cancer (EGFR). Identifiers: MedGen CN130014.

Allele frequency attached by ClinVar (database versions not stated): TOPMed below 0.00001; ExAC 0.00001.
gnomAD v4.1: 1 of 1,614,024 alleles (0.000062%); highest among the groups gnomAD compares: Non-Finnish European, 0.000085%; no homozygotes.

Submission:

Labcorp Genetics (formerly Invitae), Labcorp
Classification: Uncertain significance for EGFR-related lung cancer. Last evaluated: 2022-09-12. Review status: criteria provided, single submitter. Criteria: Invitae Variant Classification Sherloc (09022015). Collection method: clinical testing. Allele origin: germline.
Comment: In summary, the available evidence is currently insufficient to determine the role of this variant in disease. Therefore, it has been classified as a Variant of Uncertain Significance. Advanced modeling of protein sequence and biophysical properties (such as structural, functional, and spatial information, amino acid conservation, physicochemical variation, residue mobility, and thermodynamic stability) performed at Invitae indicates that this missense variant is not expected to disrupt EGFR protein function. This variant has not been reported in the literature in individuals affected with EGFR-related conditions. This variant is present in population databases (rs755356995, gnomAD 0.0009%). This sequence change replaces valine, which is neutral and non-polar, with alanine, which is neutral and non-polar, at codon 659 of the EGFR protein (p.Val659Ala).

NM_005228.5(EGFR):c.1976T>C (p.Val659Ala)

Gene: EGFR (epidermal growth factor receptor; plus strand). Cytogenetic location: 7p11.2.
Variant type: single nucleotide variant.
Coding change: c.1976T>C on transcript NM_005228.5 (MANE Select); coding-DNA position 1976, T replaced by C.
Protein change: p.Val659Ala; replaces valine 659 with alanine.
Molecular consequence: missense variant.
Genome position (GRCh38, 1-based): chr7:55,173,039, T>C. VCF-style: chr7-55173039-T-C. GRCh37 (hg19) VCF-style: chr7-55240732-T-C.
Other names: c.1841T>C, p.Val614Ala (NM_001346897.2, NM_001346899.2); c.1976T>C, p.Val659Ala (NM_001346898.2); c.1817T>C, p.Val606Ala (NM_001346900.2); c.1175T>C, p.Val392Ala (NM_001346941.2); short protein forms V392A, V606A, V614A, V659A.
Identifiers: ClinVar variation 2170104 (VCV002170104.4), dbSNP rs755356995, ClinGen allele CA4265926.